The following is an entry in ClinVar:

ClinVar aggregate classification (germline): Uncertain significance (1 of 4 stars; one submission).

Conditions:
Epileptic encephalopathy. Identifiers: MedGen C0543888, HP:0200134.

gnomAD v4.1: 1 of 1,613,968 alleles (0.000062%); no homozygotes.

Submission:

Labcorp Genetics (formerly Invitae), Labcorp
Classification: Uncertain significance for Epileptic encephalopathy. Last evaluated: 2020-03-10. Review status: criteria provided, single submitter. Criteria: Invitae Variant Classification Sherloc (09022015). Collection method: clinical testing. Allele origin: germline.
Comment: In summary, the available evidence is currently insufficient to determine the role of this variant in disease. Therefore, it has been classified as a Variant of Uncertain Significance. Algorithms developed to predict the effect of missense changes on protein structure and function are either unavailable or do not agree on the potential impact of this missense change (SIFT: "Tolerated"; PolyPhen-2: "Benign"; Align-GVGD: "Class C0"). This variant has not been reported in the literature in individuals with GABBR2-related conditions. This variant is not present in population databases (ExAC no frequency). This sequence change replaces glutamine with glutamic acid at codon 764 of the GABBR2 protein (p.Gln764Glu). The glutamine residue is highly conserved and there is a small physicochemical difference between glutamine and glutamic acid.

NM_005458.8(GABBR2):c.2290C>G (p.Gln764Glu)

Gene: GABBR2 (gamma-aminobutyric acid type B receptor subunit 2; minus strand). Cytogenetic location: 9q22.33.
Variant type: single nucleotide variant.
Coding change: c.2290C>G on transcript NM_005458.8 (MANE Select); coding-DNA position 2290, C replaced by G.
Protein change: p.Gln764Glu; replaces glutamine 764 with glutamic acid.
Molecular consequence: missense variant.
Genome position (GRCh38, 1-based): chr9:98,303,363, G>C on the plus strand (C>G on the coding strand, the complement: GABBR2 is on the minus strand). VCF-style: chr9-98303363-G-C. GRCh37 (hg19) VCF-style: chr9-101065645-G-C.
Other names: short protein forms Q764E.
Identifiers: ClinVar variation 1002915 (VCV001002915.9), dbSNP rs1830500205, ClinGen allele CA374197888.